The following is an entry in ClinVar:

ClinVar aggregate classification (germline): Uncertain significance (1 of 4 stars; one submission).

Conditions:
Nephronophthisis. Also called: Juvenile Nephronophthisis. Identifiers: Orphanet 655, MedGen C0687120, MONDO:0019005, HP:0000090.

Submission:

Labcorp Genetics (formerly Invitae), Labcorp
Classification: Uncertain significance for Nephronophthisis. Last evaluated: 2022-02-10. Review status: criteria provided, single submitter. Criteria: Invitae Variant Classification Sherloc (09022015). Collection method: clinical testing. Allele origin: germline.
Comment: In summary, the available evidence is currently insufficient to determine the role of this variant in disease. Therefore, it has been classified as a Variant of Uncertain Significance. Algorithms developed to predict the effect of sequence changes on RNA splicing suggest that this variant may create or strengthen a splice site. Algorithms developed to predict the effect of missense changes on protein structure and function output the following: SIFT: "Tolerated"; PolyPhen-2: "Benign"; Align-GVGD: "Class C0". The glutamine amino acid residue is found in multiple mammalian species, which suggests that this missense change does not adversely affect protein function. This variant has not been reported in the literature in individuals affected with IQCB1-related conditions. This variant is not present in population databases (gnomAD no frequency). This sequence change replaces lysine, which is basic and polar, with glutamine, which is neutral and polar, at codon 580 of the IQCB1 protein (p.Lys580Gln).

NM_001023570.4(IQCB1):c.1738A>C (p.Lys580Gln)

Gene: IQCB1 (IQ motif containing B1; minus strand). Cytogenetic location: 3q13.33.
Variant type: single nucleotide variant.
Coding change: c.1738A>C on transcript NM_001023570.4 (MANE Select); coding-DNA position 1738, A replaced by C.
Protein change: p.Lys580Gln; replaces lysine 580 with glutamine.
Molecular consequence: missense variant. On other transcripts: non-coding transcript variant (1).
Genome position (GRCh38, 1-based): chr3:121,770,404, T>G on the plus strand (A>C on the coding strand, the complement: IQCB1 is on the minus strand). VCF-style: chr3-121770404-T-G. GRCh37 (hg19) VCF-style: chr3-121489251-T-G.
Other names: c.1339A>C, p.Lys447Gln (NM_001023571.4); c.1738A>C, p.Lys580Gln (NM_001319107.2); short protein forms K580Q, K447Q.
Identifiers: ClinVar variation 1501327 (VCV001501327.8), dbSNP rs2108503039, ClinGen allele CA354108524.